The following is an entry in ClinVar:

NM_001159773.2(CANT1):c.*1093C>T

Gene: CANT1 (calcium activated nucleotidase 1; minus strand). Cytogenetic location: 17q25.3.
Variant type: single nucleotide variant.
Coding change: c.*1093C>T on transcript NM_001159773.2 (MANE Select); 1093 bases downstream of the stop codon, C replaced by T.
Molecular consequence: 3 prime UTR variant.
Genome position (GRCh38, 1-based): chr17:78,992,457, G>A on the plus strand (C>T on the coding strand, the complement: CANT1 is on the minus strand). VCF-style: chr17-78992457-G-A. GRCh37 (hg19) VCF-style: chr17-76988539-G-A.
Other names: c.*1093C>T (NM_001159772.2, NM_138793.4).
Identifiers: ClinVar variation 325674 (VCV000325674.6), dbSNP rs8078860, ClinGen allele CA10651198.

ClinVar aggregate classification (germline): Benign. Review status: criteria provided, multiple submitters, no conflicts (2 of 4 stars). 2 submissions from 2 submitters: Benign (2). Last evaluated 2018-01-12.

Conditions:
Desbuquois dysplasia 1 (DBQD1). Also called: MICROMELIC DWARFISM WITH VERTEBRAL AND METAPHYSEAL ABNORMALITIES AND ADVANCED CARPOTARSAL OSSIFICATION; DESBUQUOIS DYSPLASIA 1, KIM VARIANT. Identifiers: Orphanet 1425, MedGen C4012146, MONDO:0009629, OMIM 251450.

Allele frequency attached by ClinVar (database versions not stated): gnomAD exomes 0.00321; 1000 Genomes Project 0.00719; gnomAD 0.00724 and 0.00775; 1000 Genomes Project 30x 0.00843; TOPMed 0.00872.
gnomAD v4.1: 1,824 of 368,382 alleles (0.5%); highest among the groups gnomAD compares: African/African-American, 1.9%; 8 homozygotes.

Submissions (2):

Illumina Laboratory Services, Illumina
Classification: Benign for Desbuquois dysplasia 1. Last evaluated: 2018-01-12. Review status: criteria provided, single submitter. Criteria: ICSL Variant Classification Criteria 13 December 2019. Collection method: clinical testing. Allele origin: germline.
Comment: This variant was observed in the ICSL laboratory as part of a predisposition screen in an ostensibly healthy population. It had not been previously curated by ICSL or reported in the Human Gene Mutation Database (HGMD: prior to June 1st, 2018), and was therefore a candidate for classification through an automated scoring system. Utilizing variant allele frequency, disease prevalence and penetrance estimates, and inheritance mode, an automated score was calculated to assess if this variant is too frequent to cause the disease. Based on the score and internal cut-off values, a variant classified as benign is not then subjected to further curation. The score for this variant resulted in a classification of benign for this disease.

Breakthrough Genomics
Classification: Benign. Review status: criteria provided, single submitter. Criteria: ACMG Guidelines, 2015. Collection method: not provided. Allele origin: germline. Inheritance: Autosomal recessive inheritance. Affected: yes.